The following is an entry in ClinVar:

ClinVar aggregate classification (germline): Uncertain significance (1 of 4 stars; one submission).

Submission:

Women's Health and Genetics/Laboratory Corporation of America, LabCorp
Classification: Uncertain significance. Last evaluated: 2023-03-13. Review status: criteria provided, single submitter. Criteria: LabCorp Variant Classification Summary - May 2015. Collection method: clinical testing. Allele origin: germline.
Comment: Variant summary: WDFY3 c.410G>A (p.Gly137Asp) results in a non-conservative amino acid change in the encoded protein sequence. Three of five in-silico tools predict a benign effect of the variant on protein function. The variant was absent in 240740 control chromosomes(gnomAD). The available data on variant occurrences in the general population are insufficient to allow any conclusion about variant significance. To our knowledge, no occurrence of c.410G>A in individuals affected with Microcephaly 18, Primary, Autosomal Dominant and no experimental evidence demonstrating its impact on protein function have been reported. No clinical diagnostic laboratories have submitted clinical-significance assessments for this variant to ClinVar after 2014. Based on the evidence outlined above, the variant was classified as uncertain significance.

NM_014991.6(WDFY3):c.410G>A (p.Gly137Asp)

Gene: WDFY3 (WD repeat and FYVE domain containing 3; minus strand). Cytogenetic location: 4q21.23.
Variant type: single nucleotide variant.
Coding change: c.410G>A on transcript NM_014991.6 (MANE Select); coding-DNA position 410, G replaced by A.
Protein change: p.Gly137Asp; replaces glycine 137 with aspartic acid.
Molecular consequence: missense variant.
Genome position (GRCh38, 1-based): chr4:84,841,158, C>T on the plus strand (G>A on the coding strand, the complement: WDFY3 is on the minus strand). VCF-style: chr4-84841158-C-T. GRCh37 (hg19) VCF-style: chr4-85762311-C-T.
Other names: short protein forms G137D.
Identifiers: ClinVar variation 2501207 (VCV002501207.1), dbSNP rs2535286051, ClinGen allele CA357547199.
Genomic context (GRCh38, chr4:84,841,158, plus strand): 5'-AGAGAGGCTATAAAATAAAGACGCTGAGTTATCAAACATGAAAACTAAGAACTTACCTGA[C>T]CAGAGGAAGCTAACAAATTAATTGTCGTTAGAAGCATCCAGCCTCTACTGGCTTCTTCAC-3'
Protein context (NP_055806.2, residues 127-147): LTTINLLASS[Gly137Asp]QKTVDCMTTM